The following is an entry in ClinVar:

NM_014159.7(SETD2):c.6862C>A (p.Pro2288Thr)

Gene: SETD2 (SET domain containing 2, histone lysine methyltransferase; minus strand). Cytogenetic location: 3p21.31.
Variant type: single nucleotide variant.
Coding change: c.6862C>A on transcript NM_014159.7 (MANE Select); coding-DNA position 6862, C replaced by A.
Protein change: p.Pro2288Thr; replaces proline 2288 with threonine.
Molecular consequence: missense variant. On other transcripts: non-coding transcript variant (1).
Genome position (GRCh38, 1-based): chr3:47,056,922, G>T on the plus strand (C>A on the coding strand, the complement: SETD2 is on the minus strand). VCF-style: chr3-47056922-G-T. GRCh37 (hg19) VCF-style: chr3-47098412-G-T.
Other names: c.6730C>A, p.Pro2244Thr (NM_001349370.3); short protein forms P2288T, P2244T.
Identifiers: ClinVar variation 2867411 (VCV002867411.3), dbSNP rs753338268, ClinGen allele CA73796110.

ClinVar aggregate classification (germline): Uncertain significance (1 of 4 stars; one submission).

Conditions:
Luscan-Lumish syndrome. Identifiers: Orphanet 597738, MedGen C4085873, MONDO:0014791, OMIM 616831.

Allele frequency attached by ClinVar (database versions not stated): TOPMed 0.00003; gnomAD 0.00001.
gnomAD v4.1: 12 of 1,613,444 alleles (0.00074%); highest among the groups gnomAD compares: East Asian, 0.022%; no homozygotes.

Submission:

Labcorp Genetics (formerly Invitae), Labcorp
Classification: Uncertain significance for Luscan-Lumish syndrome. Last evaluated: 2025-02-11. Review status: criteria provided, single submitter. Criteria: Invitae Variant Classification Sherloc (09022015). Collection method: clinical testing. Allele origin: germline.
Comment: This sequence change replaces proline, which is neutral and non-polar, with threonine, which is neutral and polar, at codon 2288 of the SETD2 protein (p.Pro2288Thr). This variant is not present in population databases (gnomAD no frequency). This variant has not been reported in the literature in individuals affected with SETD2-related conditions. ClinVar contains an entry for this variant (Variation ID: 2867411). An algorithm developed to predict the effect of missense changes on protein structure and function (PolyPhen-2) suggests that this variant is likely to be disruptive. In summary, the available evidence is currently insufficient to determine the role of this variant in disease. Therefore, it has been classified as a Variant of Uncertain Significance.